The following is an entry in ClinVar:

ClinVar aggregate classification (germline): Pathogenic/Likely pathogenic. Review status: criteria provided, multiple submitters, no conflicts (2 of 4 stars). 3 submissions from 3 submitters: Pathogenic (1); Likely pathogenic (1). 1 of the submissions does not count toward it. Last evaluated 2025-12-11.

Allele frequency attached by ClinVar (database versions not stated): gnomAD exomes below 0.00001.

Submissions (3):

Dasa
Classification: Likely pathogenic. Last evaluated: 2025-12-11. Review status: criteria provided, single submitter. Criteria: DASA Assertion Criteria. Collection method: clinical testing. Allele origin: germline.
Comment: NM_000350.3(ABCA4):c.5836-2del affects a canonical splice site and is predicted to disrupt normal RNA splicing. Loss of function is an established disease mechanism for ABCA4-associated disorders. This variant affects a canonical splice-site context with prior evidence supporting clinical relevance. Also, this variant is rare in population databases. Based on the currently available evidence, this variant is classified as likely pathogenic.

Labcorp Genetics (formerly Invitae), Labcorp
Classification: Pathogenic. Last evaluated: 2025-07-08. Review status: criteria provided, single submitter. Criteria: Invitae Variant Classification Sherloc (09022015). Collection method: clinical testing. Allele origin: germline.
Comment: This sequence change affects a splice site in intron 41 of the ABCA4 gene. It is expected to disrupt RNA splicing. Variants that disrupt the donor or acceptor splice site typically lead to a loss of protein function (PMID: 16199547), and loss-of-function variants in ABCA4 are known to be pathogenic (PMID: 10958761, 24938718, 25312043, 26780318). This variant is present in population databases (rs61750637, gnomAD 0.0009%). Disruption of this splice site has been observed in individual(s) with cone-rod dystrophy (PMID: 11527935; internal data). In at least one individual the data is consistent with being in trans (on the opposite chromosome) from a pathogenic variant. ClinVar contains an entry for this variant (Variation ID: 99410). Algorithms developed to predict the effect of sequence changes on RNA splicing suggest that this variant may disrupt the consensus splice site. For these reasons, this variant has been classified as Pathogenic.

Retina International
No classification provided. Review status: no classification provided. Collection method: not provided. Allele origin: not provided. Not counted in ClinVar's aggregate classification.

Literature cited by the submitters: PubMed 16199547 (cited by Labcorp Genetics (formerly Invitae), Labcorp); PubMed 10958761 (cited by Labcorp Genetics (formerly Invitae), Labcorp); PubMed 24938718 (cited by Labcorp Genetics (formerly Invitae), Labcorp); PubMed 25312043 (cited by Labcorp Genetics (formerly Invitae), Labcorp); PubMed 26780318 (cited by Labcorp Genetics (formerly Invitae), Labcorp); PubMed 11527935 (cited by Labcorp Genetics (formerly Invitae), Labcorp).

NM_000350.3(ABCA4):c.5836-2del

Gene: ABCA4 (ATP binding cassette subfamily A member 4; minus strand). Cytogenetic location: 1p22.1.
Variant type: Deletion.
Coding change: c.5836-2del on transcript NM_000350.3 (MANE Select); the canonical splice acceptor site of the intron before coding-DNA position 5836, one base deleted (A; older notation c.5836-2delA).
Molecular consequence: splice acceptor variant.
Genome position (GRCh38, 1-based): chr1:94,008,299, T deleted on the plus strand (A on the coding strand, the reverse complement: ABCA4 is on the minus strand). VCF-style (leftmost placement, unchanged base first): chr1-94008298-CT-C. GRCh37 (hg19) VCF-style: chr1-94473854-CT-C.
Identifiers: ClinVar variation 99410 (VCV000099410.11), dbSNP rs61750637, ClinGen allele CA227344.